The following is an entry in ClinVar:

ClinVar aggregate classification (germline): Uncertain significance (1 of 4 stars; one submission).

Conditions:
Congenital myotonia, autosomal dominant form (THD). Also called: THOMSEN DISEASE; Myotonia congenita autosomal dominant. Identifiers: Orphanet 614, MedGen C2936781, MONDO:0008055, OMIM 160800.
Congenital myotonia, autosomal recessive form. Also called: BECKER DISEASE; Becker Generalized Myotonia; myotonia congenita, autosomal recessive. Identifiers: Orphanet 614, MedGen C0751360, MONDO:0009715, OMIM 255700.

gnomAD v4.1: 3 of 1,613,764 alleles (0.00019%); highest among the groups gnomAD compares: African/African-American, 0.0027%; no homozygotes.

Submission:

Labcorp Genetics (formerly Invitae), Labcorp
Classification: Uncertain significance for Congenital myotonia, autosomal recessive form; Congenital myotonia, autosomal dominant form. Last evaluated: 2025-05-22. Review status: criteria provided, single submitter. Criteria: Invitae Variant Classification Sherloc (09022015). Collection method: clinical testing. Allele origin: germline.
Comment: This sequence change replaces lysine, which is basic and polar, with arginine, which is basic and polar, at codon 80 of the CLCN1 protein (p.Lys80Arg). This variant is present in population databases (no rsID available, gnomAD 0.006%). This variant has not been reported in the literature in individuals affected with CLCN1-related conditions. Invitae Evidence Modeling of protein sequence and biophysical properties (such as structural, functional, and spatial information, amino acid conservation, physicochemical variation, residue mobility, and thermodynamic stability) indicates that this missense variant is not expected to disrupt CLCN1 protein function with a negative predictive value of 95%. Algorithms developed to predict the effect of sequence changes on RNA splicing suggest that this variant may disrupt the consensus splice site. In summary, the available evidence is currently insufficient to determine the role of this variant in disease. Therefore, it has been classified as a Variant of Uncertain Significance.

NM_000083.3(CLCN1):c.239A>G (p.Lys80Arg)

Gene: CLCN1 (chloride voltage-gated channel 1; plus strand). Cytogenetic location: 7q34.
Variant type: single nucleotide variant.
Coding change: c.239A>G on transcript NM_000083.3 (MANE Select); coding-DNA position 239, A replaced by G.
Protein change: p.Lys80Arg; replaces lysine 80 with arginine.
Molecular consequence: missense variant. On other transcripts: non-coding transcript variant (1).
Genome position (GRCh38, 1-based): chr7:143,319,813, A>G. VCF-style: chr7-143319813-A-G. GRCh37 (hg19) VCF-style: chr7-143016906-A-G.
Other names: short protein forms K80R.
Identifiers: ClinVar variation 4789478 (VCV004789478.1).